The following is an entry in ClinVar:

NM_001111067.4(ACVR1):c.920G>T (p.Arg307Leu)

Gene: ACVR1 (activin A receptor type 1; minus strand). Cytogenetic location: 2q24.1.
Variant type: single nucleotide variant.
Coding change: c.920G>T on transcript NM_001111067.4 (MANE Select); coding-DNA position 920, G replaced by T.
Protein change: p.Arg307Leu; replaces arginine 307 with leucine.
Molecular consequence: missense variant.
Genome position (GRCh38, 1-based): chr2:157,766,067, C>A on the plus strand (G>T on the coding strand, the complement: ACVR1 is on the minus strand). VCF-style: chr2-157766067-C-A. GRCh37 (hg19) VCF-style: chr2-158622579-C-A.
Other names: c.920G>T, p.Arg307Leu (NM_001105.5, NM_001347663.1, NM_001347664.1 and 3 more transcripts); short protein forms R307L.
Identifiers: ClinVar variation 4690313 (VCV004690313.1).
Genomic context (GRCh38, chr2:157,766,067, plus strand): 5'-TGGGTCCCAAATATCTCTATGTGCAAATGTGCAAGACCACTAGCTATGGACAGCACTATT[C>A]GAAGGCAGCTAACTGTATCCAGAGTAGTAAGCTGAAGATAGTCGTACAACGATCCCATTT-3'
Protein context (NP_001104537.1, residues 297-317): LTTLDTVSCL[Arg307Leu]IVLSIASGLA

ClinVar aggregate classification (germline): Uncertain significance (1 of 4 stars; one submission).

gnomAD v4.1: 7 of 1,613,904 alleles (0.00043%); highest among the groups gnomAD compares: Non-Finnish European, 0.00059%; no homozygotes.

Submission:

Labcorp Genetics (formerly Invitae), Labcorp
Classification: Uncertain significance. Last evaluated: 2025-04-27. Review status: criteria provided, single submitter. Criteria: Invitae Variant Classification Sherloc (09022015). Collection method: clinical testing. Allele origin: germline.
Comment: This sequence change replaces arginine, which is basic and polar, with leucine, which is neutral and non-polar, at codon 307 of the ACVR1 protein (p.Arg307Leu). This variant is present in population databases (no rsID available, gnomAD 0.0009%). This variant has not been reported in the literature in individuals affected with ACVR1-related conditions. An algorithm developed to predict the effect of missense changes on protein structure and function (PolyPhen-2) suggests that this variant is likely to be tolerated. In summary, the available evidence is currently insufficient to determine the role of this variant in disease. Therefore, it has been classified as a Variant of Uncertain Significance.